The following is an entry in ClinVar:

ClinVar aggregate classification (germline): Uncertain significance (1 of 4 stars; one submission).

gnomAD v4.1: 4 of 1,600,096 alleles (0.00025%); highest among the groups gnomAD compares: Middle Eastern, 0.017%; no homozygotes.

Submission:

GeneDx
Classification: Uncertain significance. Last evaluated: 2017-08-28. Review status: criteria provided, single submitter. Criteria: GeneDx Variant Classification (06012015). Collection method: clinical testing. Allele origin: germline. Affected: yes.
Comment: The Q214H variant in the SOS1 gene has not been reported previously as a pathogenic variant, nor as a benign variant, to our knowledge. This variant was not observed in approximately 6500 individuals of European and African American ancestry in the NHLBI Exome Sequencing Project, indicating it is not a common benign variant in these populations. The Q214H variant is a semi-conservative amino acid substitution, which may impact secondary protein structure as these residues differ in some properties. This substitution occurs at a position that is conserved in mammals. In silico analysis is inconsistent in its predictions as to whether or not the variant is damaging to the protein structure/function. We interpret Q214H as a variant of uncertain significance

NM_005633.4(SOS1):c.642A>T (p.Gln214His)

Gene: SOS1 (SOS Ras/Rac guanine nucleotide exchange factor 1; minus strand). Cytogenetic location: 2p22.1.
Variant type: single nucleotide variant.
Coding change: c.642A>T on transcript NM_005633.4 (MANE Select); coding-DNA position 642, A replaced by T.
Protein change: p.Gln214His; replaces glutamine 214 with histidine.
Molecular consequence: missense variant.
Genome position (GRCh38, 1-based): chr2:39,054,692, T>A on the plus strand (A>T on the coding strand, the complement: SOS1 is on the minus strand). VCF-style: chr2-39054692-T-A. GRCh37 (hg19) VCF-style: chr2-39281833-T-A.
Other names: c.621A>T, p.Gln207His (NM_001382394.1); c.642A>T, p.Gln214His (NM_001382395.1); short protein forms Q214H, Q207H.
Identifiers: ClinVar variation 280504 (VCV000280504.2), dbSNP rs886041696, ClinGen allele CA10602857.